The following is an entry in ClinVar:

ClinVar aggregate classification (germline): Uncertain significance (1 of 4 stars; one submission).

Conditions:
Inborn genetic diseases. Identifiers: MedGen C0950123, MeSH D030342.

Submission:

Ambry Genetics
Classification: Uncertain significance for Inborn genetic diseases. Last evaluated: 2023-01-03. Review status: criteria provided, single submitter. Criteria: Ambry Variant Classification Scheme 2023. Collection method: clinical testing. Allele origin: germline.
Comment: The p.M161V variant (also known as c.481A>G), located in coding exon 5 of the LRRK2 gene, results from an A to G substitution at nucleotide position 481. The methionine at codon 161 is replaced by valine, an amino acid with highly similar properties. This amino acid position is conserved. In addition, this alteration is predicted to be tolerated by in silico analysis. Since supporting evidence is limited at this time, the clinical significance of this alteration remains unclear.

NM_198578.4(LRRK2):c.481A>G (p.Met161Val)

Gene: LRRK2 (leucine rich repeat kinase 2; plus strand). Cytogenetic location: 12q12.
Variant type: single nucleotide variant.
Coding change: c.481A>G on transcript NM_198578.4 (MANE Select); coding-DNA position 481, A replaced by G.
Protein change: p.Met161Val; replaces methionine 161 with valine.
Molecular consequence: missense variant.
Genome position (GRCh38, 1-based): chr12:40,238,013, A>G. VCF-style: chr12-40238013-A-G. GRCh37 (hg19) VCF-style: chr12-40631815-A-G.
Other names: short protein forms M161V.
Identifiers: ClinVar variation 2447237 (VCV002447237.2), dbSNP rs756951535, ClinGen allele CA6513110.